The following is an entry in ClinVar:

NM_018136.5(ASPM):c.2834G>T (p.Gly945Val)

Gene: ASPM (assembly factor for spindle microtubules; minus strand). Cytogenetic location: 1q31.3.
Variant type: single nucleotide variant.
Coding change: c.2834G>T on transcript NM_018136.5 (MANE Select); coding-DNA position 2834, G replaced by T.
Protein change: p.Gly945Val; replaces glycine 945 with valine.
Molecular consequence: missense variant.
Genome position (GRCh38, 1-based): chr1:197,128,592, C>A on the plus strand (G>T on the coding strand, the complement: ASPM is on the minus strand). VCF-style: chr1-197128592-C-A. GRCh37 (hg19) VCF-style: chr1-197097722-C-A.
Other names: c.2834G>T, p.Gly945Val (NM_001206846.2); short protein forms G945V.
Identifiers: ClinVar variation 1419753 (VCV001419753.6), dbSNP rs1235898043, ClinGen allele CA344048939.

ClinVar aggregate classification (germline): Uncertain significance (1 of 4 stars; one submission).

Allele frequency attached by ClinVar (database versions not stated): gnomAD 0.00001.
gnomAD v4.1: 1 of 1,613,516 alleles (0.000062%); highest among the groups gnomAD compares: Admixed American, 0.0017%; no homozygotes.

Submission:

Labcorp Genetics (formerly Invitae), Labcorp
Classification: Uncertain significance. Last evaluated: 2022-09-13. Review status: criteria provided, single submitter. Criteria: Invitae Variant Classification Sherloc (09022015). Collection method: clinical testing. Allele origin: germline.
Comment: In summary, the available evidence is currently insufficient to determine the role of this variant in disease. Therefore, it has been classified as a Variant of Uncertain Significance. Advanced modeling of protein sequence and biophysical properties (such as structural, functional, and spatial information, amino acid conservation, physicochemical variation, residue mobility, and thermodynamic stability) performed at Invitae indicates that this missense variant is not expected to disrupt ASPM protein function. ClinVar contains an entry for this variant (Variation ID: 1419753). This variant has not been reported in the literature in individuals affected with ASPM-related conditions. This variant is not present in population databases (gnomAD no frequency). This sequence change replaces glycine, which is neutral and non-polar, with valine, which is neutral and non-polar, at codon 945 of the ASPM protein (p.Gly945Val).